The following is an entry in ClinVar:

ClinVar aggregate classification (germline): Uncertain significance. Review status: criteria provided, multiple submitters, no conflicts (2 of 4 stars). 2 submissions from 2 submitters: Uncertain significance (2). Last evaluated 2024-10-08.

Conditions:
Cardiovascular phenotype. Identifiers: MedGen CN230736.
Cholestanol storage disease (CTX). Also called: CTX: Cerebrotendinous xanthomatosis; CEREBRAL CHOLESTERINOSIS; Cerebrotendinous Xanthomatosis. Identifiers: Orphanet 909, MedGen C0238052, MONDO:0008948, OMIM 213700.

Allele frequency attached by ClinVar (database versions not stated): gnomAD 0.00001; gnomAD exomes 0.00001; ExAC 0.00002; TOPMed 0.00002.
gnomAD v4.1: 16 of 1,614,092 alleles (0.00099%); highest among the groups gnomAD compares: Middle Eastern, 0.033%; no homozygotes.

Submissions (2):

Ambry Genetics
Classification: Uncertain significance for Cardiovascular phenotype. Last evaluated: 2024-10-08. Review status: criteria provided, single submitter. Criteria: Ambry Variant Classification Scheme 2023. Collection method: clinical testing. Allele origin: germline.

Labcorp Genetics (formerly Invitae), Labcorp
Classification: Uncertain significance for Cholestanol storage disease. Last evaluated: 2022-07-13. Review status: criteria provided, single submitter. Criteria: Invitae Variant Classification Sherloc (09022015). Collection method: clinical testing. Allele origin: germline.
Comment: This sequence change replaces glutamine, which is neutral and polar, with glutamic acid, which is acidic and polar, at codon 75 of the CYP27A1 protein (p.Gln75Glu). This variant is present in population databases (rs745513715, gnomAD 0.004%). This variant has not been reported in the literature in individuals affected with CYP27A1-related conditions. Advanced modeling of protein sequence and biophysical properties (such as structural, functional, and spatial information, amino acid conservation, physicochemical variation, residue mobility, and thermodynamic stability) performed at Invitae indicates that this missense variant is not expected to disrupt CYP27A1 protein function. In summary, the available evidence is currently insufficient to determine the role of this variant in disease. Therefore, it has been classified as a Variant of Uncertain Significance.

NM_000784.4(CYP27A1):c.223C>G (p.Gln75Glu)

Gene: CYP27A1 (cytochrome P450 family 27 subfamily A member 1; plus strand). Cytogenetic location: 2q35.
Variant type: single nucleotide variant.
Coding change: c.223C>G on transcript NM_000784.4 (MANE Select); coding-DNA position 223, C replaced by G.
Protein change: p.Gln75Glu; replaces glutamine 75 with glutamic acid.
Molecular consequence: missense variant.
Genome position (GRCh38, 1-based): chr2:218,782,405, C>G. VCF-style: chr2-218782405-C-G. GRCh37 (hg19) VCF-style: chr2-219647128-C-G.
Other names: c.223C>G (NM_000784.3); short protein forms Q75E.
Identifiers: ClinVar variation 2201132 (VCV002201132.2), dbSNP rs745513715, ClinGen allele CA2112537.